The following is an entry in ClinVar:

NM_033409.4(SLC52A3):c.293G>A (p.Trp98Ter)

Gene: SLC52A3 (solute carrier family 52 member 3; minus strand). Cytogenetic location: 20p13.
Variant type: single nucleotide variant.
Coding change: c.293G>A on transcript NM_033409.4 (MANE Select); coding-DNA position 293, G replaced by A.
Protein change: p.Trp98Ter; replaces tryptophan 98 with a stop codon.
Molecular consequence: nonsense.
Genome position (GRCh38, 1-based): chr20:765,482, C>T on the plus strand (G>A on the coding strand, the complement: SLC52A3 is on the minus strand). VCF-style: chr20-765482-C-T. GRCh37 (hg19) VCF-style: chr20-746126-C-T.
Other names: c.293G>A, p.Trp98Ter (NM_001370085.1, NM_001370086.1); short protein forms W98*.
Identifiers: ClinVar variation 2785607 (VCV002785607.3), dbSNP rs1486271481, ClinGen allele CA407964142.

ClinVar aggregate classification (germline): Pathogenic (1 of 4 stars; one submission).

Conditions:
Brown-Vialetto-van Laere syndrome 1. Also called: BROWN-VIALETTO-VAN LAERE SYNDROME 1, MILD; BULBAR PALSY, PROGRESSIVE, WITH SENSORINEURAL DEAFNESS; PONTOBULBAR PALSY WITH DEAFNESS. Identifiers: Orphanet 572550, Orphanet 97229, MedGen C0796274, MONDO:0024537, OMIM 211530.

gnomAD v4.1: 1 of 1,597,556 alleles (0.000063%); highest among the groups gnomAD compares: Non-Finnish European, 0.000085%; no homozygotes.

Submission:

Labcorp Genetics (formerly Invitae), Labcorp
Classification: Pathogenic for Brown-Vialetto-van Laere syndrome 1. Last evaluated: 2023-05-10. Review status: criteria provided, single submitter. Criteria: Invitae Variant Classification Sherloc (09022015). Collection method: clinical testing. Allele origin: germline.
Comment: For these reasons, this variant has been classified as Pathogenic. Algorithms developed to predict the effect of sequence changes on RNA splicing suggest that this variant may create or strengthen a splice site. This variant has not been reported in the literature in individuals affected with SLC52A3-related conditions. This variant is not present in population databases (gnomAD no frequency). This sequence change creates a premature translational stop signal (p.Trp98*) in the SLC52A3 gene. It is expected to result in an absent or disrupted protein product. Loss-of-function variants in SLC52A3 are known to be pathogenic (PMID: 20206331, 22824638, 25462087).

Literature cited by the submitters: PubMed 20206331; PubMed 22824638; PubMed 25462087.